The following is an entry in ClinVar:

ClinVar aggregate classification (germline): Uncertain significance (1 of 4 stars; one submission).

gnomAD v4.1: 13 of 1,552,164 alleles (0.00084%); highest among the groups gnomAD compares: East Asian, 0.0024%; no homozygotes.

Submission:

GeneDx
Classification: Uncertain significance. Last evaluated: 2025-06-23. Review status: criteria provided, single submitter. Criteria: GeneDx Variant Classification Process June 2021. Collection method: clinical testing. Allele origin: germline. Affected: yes.
Comment: Not observed at significant frequency in large population cohorts (gnomAD); Has not been previously published as pathogenic or benign to our knowledge; In silico analysis is inconclusive as to whether the variant alters gene splicing. In the absence of RNA/functional studies, the actual effect of this sequence change is unknown.

NM_194248.3(OTOF):c.138+5G>A

Gene: OTOF (otoferlin; minus strand). Cytogenetic location: 2p23.3.
Variant type: single nucleotide variant.
Coding change: c.138+5G>A on transcript NM_194248.3 (MANE Select); 5 bases into the intron after coding-DNA position 138, G replaced by A.
Molecular consequence: intron variant.
Genome position (GRCh38, 1-based): chr2:26,537,711, C>T on the plus strand (G>A on the coding strand, the complement: OTOF is on the minus strand). VCF-style: chr2-26537711-C-T. GRCh37 (hg19) VCF-style: chr2-26760579-C-T.
Other names: c.138+5G>A (NM_001287489.2).
Identifiers: ClinVar variation 4540116 (VCV004540116.1).